The following is an entry in ClinVar:

ClinVar aggregate classification (germline): Uncertain significance (1 of 4 stars; one submission).

Conditions:
Hereditary spastic paraplegia 54. Also called: Spastic paraplegia 54, autosomal recessive. Identifiers: Orphanet 320380, MedGen C3539495, MONDO:0014018, OMIM 615033.

Allele frequency attached by ClinVar (database versions not stated): gnomAD 0.00001.
gnomAD v4.1: 1 of 1,604,590 alleles (0.000062%); highest among the groups gnomAD compares: Non-Finnish European, 0.000085%; no homozygotes.

Submission:

Labcorp Genetics (formerly Invitae), Labcorp
Classification: Uncertain significance for Hereditary spastic paraplegia 54. Last evaluated: 2023-08-10. Review status: criteria provided, single submitter. Criteria: Invitae Variant Classification Sherloc (09022015). Collection method: clinical testing. Allele origin: germline.
Comment: In summary, the available evidence is currently insufficient to determine the role of this variant in disease. Therefore, it has been classified as a Variant of Uncertain Significance. Advanced modeling of protein sequence and biophysical properties (such as structural, functional, and spatial information, amino acid conservation, physicochemical variation, residue mobility, and thermodynamic stability) performed at Invitae indicates that this missense variant is expected to disrupt DDHD2 protein function. ClinVar contains an entry for this variant (Variation ID: 2415558). This variant has not been reported in the literature in individuals affected with DDHD2-related conditions. This variant is not present in population databases (gnomAD no frequency). This sequence change replaces isoleucine, which is neutral and non-polar, with threonine, which is neutral and polar, at codon 356 of the DDHD2 protein (p.Ile356Thr).

NM_015214.3(DDHD2):c.1067T>C (p.Ile356Thr)

Gene: DDHD2 (DDHD domain containing 2; plus strand). Cytogenetic location: 8p11.23.
Variant type: single nucleotide variant.
Coding change: c.1067T>C on transcript NM_015214.3 (MANE Select); coding-DNA position 1067, T replaced by C.
Protein change: p.Ile356Thr; replaces isoleucine 356 with threonine.
Molecular consequence: missense variant.
Genome position (GRCh38, 1-based): chr8:38,246,242, T>C. VCF-style: chr8-38246242-T-C. GRCh37 (hg19) VCF-style: chr8-38103760-T-C.
Other names: c.1067T>C, p.Ile356Thr (NM_001164232.2, NM_001362911.2, NM_001362912.2 and 1 more transcripts); c.977T>C, p.Ile326Thr (NM_001362913.2); short protein forms I326T, I356T.
Identifiers: ClinVar variation 2415558 (VCV002415558.5), dbSNP rs1320383562, ClinGen allele CA370685138.